The following is an entry in ClinVar:

ClinVar aggregate classification (germline): Uncertain significance (1 of 4 stars; one submission).

Submission:

Labcorp Genetics (formerly Invitae), Labcorp
Classification: Uncertain significance. Last evaluated: 2024-06-12. Review status: criteria provided, single submitter. Criteria: Invitae Variant Classification Sherloc (09022015). Collection method: clinical testing. Allele origin: germline.
Comment: This sequence change disrupts the translational stop signal of the MICAL1 mRNA. It is expected to extend the length of the MICAL1 protein by an uncertain number of additional amino acid residues. This variant is not present in population databases (gnomAD no frequency). This variant has not been reported in the literature in individuals affected with MICAL1-related conditions. Experimental studies and prediction algorithms are not available or were not evaluated, and the functional significance of this variant is currently unknown. In summary, the available evidence is currently insufficient to determine the role of this variant in disease. Therefore, it has been classified as a Variant of Uncertain Significance.

NM_022765.4(MICAL1):c.3202T>C (p.Ter1068Gln)

Gene: MICAL1 (microtubule associated monooxygenase, calponin and LIM domain containing 1; minus strand). Cytogenetic location: 6q21.
Variant type: single nucleotide variant.
Coding change: c.3202T>C on transcript NM_022765.4 (MANE Select); coding-DNA position 3202, T replaced by C.
Protein change: p.Ter1068Gln.
Molecular consequence: stop lost.
Genome position (GRCh38, 1-based): chr6:109,444,193, A>G on the plus strand (T>C on the coding strand, the complement: MICAL1 is on the minus strand). VCF-style: chr6-109444193-A-G. GRCh37 (hg19) VCF-style: chr6-109765396-A-G.
Other names: c.2944T>C, p.Ter982Gln (NM_001159291.2); c.3259T>C, p.Ter1087Gln (NM_001286613.2).
Identifiers: ClinVar variation 3656396 (VCV003656396.2).